The following is an entry in ClinVar:

NM_025137.4(SPG11):c.1160T>C (p.Ile387Thr)

Gene: SPG11 (SPG11 vesicle trafficking associated, spatacsin; minus strand). Cytogenetic location: 15q21.1.
Variant type: single nucleotide variant.
Coding change: c.1160T>C on transcript NM_025137.4 (MANE Select); coding-DNA position 1160, T replaced by C.
Protein change: p.Ile387Thr; replaces isoleucine 387 with threonine.
Molecular consequence: missense variant.
Genome position (GRCh38, 1-based): chr15:44,651,787, A>G on the plus strand (T>C on the coding strand, the complement: SPG11 is on the minus strand). VCF-style: chr15-44651787-A-G. GRCh37 (hg19) VCF-style: chr15-44943985-A-G.
Other names: c.1160T>C, p.Ile387Thr (NM_001160227.2, NM_001411132.1); short protein forms I387T.
Identifiers: ClinVar variation 2070829 (VCV002070829.4), dbSNP rs2505727583, ClinGen allele CA392236457.

ClinVar aggregate classification (germline): Uncertain significance (1 of 4 stars; one submission).

Conditions:
Hereditary spastic paraplegia 11. Also called: Spastic Paraplegia 11; SPASTIC PARAPLEGIA, AUTOSOMAL RECESSIVE, COMPLICATED, WITH THIN CORPUS CALLOSUM; SPASTIC PARAPLEGIA, AUTOSOMAL RECESSIVE, WITH MENTAL IMPAIRMENT AND THIN CORPUS CALLOSUM; Spastic paraplegia, mental retardation and thin corpus callosum; Nakamura Osame syndrome; Autosomal recessive hereditary spastic paraplegia, mental impairment, and thin corpus callosum. Identifiers: Orphanet 2822, MedGen C1858479, MONDO:0011445, OMIM 604360.

Submission:

Labcorp Genetics (formerly Invitae), Labcorp
Classification: Uncertain significance for Hereditary spastic paraplegia 11. Last evaluated: 2022-01-02. Review status: criteria provided, single submitter. Criteria: Invitae Variant Classification Sherloc (09022015). Collection method: clinical testing. Allele origin: germline.
Comment: In summary, the available evidence is currently insufficient to determine the role of this variant in disease. Therefore, it has been classified as a Variant of Uncertain Significance. Algorithms developed to predict the effect of missense changes on protein structure and function output the following: SIFT: "Tolerated"; PolyPhen-2: "Benign"; Align-GVGD: "Class C0". The threonine amino acid residue is found in multiple mammalian species, which suggests that this missense change does not adversely affect protein function. This variant has not been reported in the literature in individuals affected with SPG11-related conditions. This variant is not present in population databases (gnomAD no frequency). This sequence change replaces isoleucine, which is neutral and non-polar, with threonine, which is neutral and polar, at codon 387 of the SPG11 protein (p.Ile387Thr).